The following is an entry in ClinVar:

ClinVar aggregate classification (germline): Uncertain significance (1 of 4 stars; one submission).

Conditions:
Progressive myoclonic epilepsy. Also called: Progressive myoclonus epilepsy; Familial progressive myoclonic epilepsy; Myoclonic Epilepsies, Progressive; Myoclonus epilepsy. Identifiers: Orphanet 308, Orphanet 98261, MedGen C0751778, MONDO:0020074.

Allele frequency attached by ClinVar (database versions not stated): ExAC 0.00001.
gnomAD v4.1: 1 of 1,614,064 alleles (0.000062%); highest among the groups gnomAD compares: Non-Finnish European, 0.000085%; no homozygotes.

Submission:

Labcorp Genetics (formerly Invitae), Labcorp
Classification: Uncertain significance for Progressive myoclonic epilepsy. Last evaluated: 2024-08-13. Review status: criteria provided, single submitter. Criteria: Invitae Variant Classification Sherloc (09022015). Collection method: clinical testing. Allele origin: germline.
Comment: This sequence change replaces threonine, which is neutral and polar, with alanine, which is neutral and non-polar, at codon 142 of the EPM2A protein (p.Thr142Ala). This variant is present in population databases (rs745559196, gnomAD 0.0009%). This variant has not been reported in the literature in individuals affected with EPM2A-related conditions. ClinVar contains an entry for this variant (Variation ID: 2201600). Advanced modeling of protein sequence and biophysical properties (such as structural, functional, and spatial information, amino acid conservation, physicochemical variation, residue mobility, and thermodynamic stability) has been performed at Invitae for this missense variant, however the output from this modeling did not meet the statistical confidence thresholds required to predict the impact of this variant on EPM2A protein function. Experimental studies have shown that this missense change affects EPM2A function (PMID: 25544560). In summary, the available evidence is currently insufficient to determine the role of this variant in disease. Therefore, it has been classified as a Variant of Uncertain Significance.

Literature cited by the submitters: PubMed 25544560.

NM_005670.4(EPM2A):c.424A>G (p.Thr142Ala)

Gene: EPM2A (EPM2A glucan phosphatase, laforin; minus strand). Cytogenetic location: 6q24.3.
Variant type: single nucleotide variant.
Coding change: c.424A>G on transcript NM_005670.4 (MANE Select); coding-DNA position 424, A replaced by G.
Protein change: p.Thr142Ala; replaces threonine 142 with alanine.
Molecular consequence: missense variant. On other transcripts: 5 prime UTR variant (2), non-coding transcript variant (1).
Genome position (GRCh38, 1-based): chr6:145,686,174, T>C on the plus strand (A>G on the coding strand, the complement: EPM2A is on the minus strand). VCF-style: chr6-145686174-T-C. GRCh37 (hg19) VCF-style: chr6-146007310-T-C.
Other names: c.424A>G, p.Thr142Ala (NM_001018041.2, NM_001360057.2, NM_001368130.1); c.10A>G, p.Thr4Ala (NM_001360064.2, NM_001360071.2, NM_001368131.1); c.-200A>G (NM_001368129.2, NM_001368132.1); short protein forms T4A, T142A.
Identifiers: ClinVar variation 2201600 (VCV002201600.3), dbSNP rs745559196, ClinGen allele CA4035173.